The following is an entry in ClinVar:

ClinVar aggregate classification (germline): Uncertain significance (1 of 4 stars; one submission).

Allele frequency attached by ClinVar (database versions not stated): gnomAD 0.00001.
gnomAD v4.1: 17 of 1,613,398 alleles (0.0011%); highest among the groups gnomAD compares: Non-Finnish European, 0.0014%; no homozygotes.

Submission:

GeneDx
Classification: Uncertain significance. Last evaluated: 2022-10-31. Review status: criteria provided, single submitter. Criteria: GeneDx Variant Classification Process June 2021. Collection method: clinical testing. Allele origin: germline. Affected: yes.
Comment: Not observed at significant frequency in large population cohorts (gnomAD); In silico analysis supports that this missense variant does not alter protein structure/function; Has not been previously published as pathogenic or benign to our knowledge

NM_024876.4(COQ8B):c.62G>A (p.Gly21Asp)

Gene: COQ8B (coenzyme Q8B; minus strand). Cytogenetic location: 19q13.2.
Variant type: single nucleotide variant.
Coding change: c.62G>A on transcript NM_024876.4 (MANE Select); coding-DNA position 62, G replaced by A.
Protein change: p.Gly21Asp; replaces glycine 21 with aspartic acid.
Molecular consequence: missense variant.
Genome position (GRCh38, 1-based): chr19:40,714,571, C>T on the plus strand (G>A on the coding strand, the complement: COQ8B is on the minus strand). VCF-style: chr19-40714571-C-T. GRCh37 (hg19) VCF-style: chr19-41220476-C-T.
Other names: c.62G>A, p.Gly21Asp (NM_001142555.3); short protein forms G21D.
Identifiers: ClinVar variation 2500589 (VCV002500589.1), dbSNP rs1481731248, ClinGen allele CA405968570.